The following is an entry in ClinVar:

NM_006904.7(PRKDC):c.2213A>G (p.His738Arg)

Gene: PRKDC (protein kinase, DNA-activated, catalytic subunit; minus strand). Cytogenetic location: 8q11.21.
Variant type: single nucleotide variant.
Coding change: c.2213A>G on transcript NM_006904.7 (MANE Select); coding-DNA position 2213, A replaced by G.
Protein change: p.His738Arg; replaces histidine 738 with arginine.
Molecular consequence: missense variant.
Genome position (GRCh38, 1-based): chr8:47,927,817, T>C on the plus strand (A>G on the coding strand, the complement: PRKDC is on the minus strand). VCF-style: chr8-47927817-T-C. GRCh37 (hg19) VCF-style: chr8-48840377-T-C.
Other names: c.2213A>G, p.His738Arg (NM_001081640.2); short protein forms H738R.
Identifiers: ClinVar variation 1787793 (VCV001787793.2), dbSNP rs2551878286, ClinGen allele CA371162627.
Genomic context (GRCh38, chr8:47,927,817, plus strand): 5'-AAGACAACGCCTACCTGCAGTGCAGGAACGTAGGCTCTAACATCGAGTTCAATGATGTTG[T>C]GTGGCAAGGACAGAAGAAAGGTCAAACAAGAGGCCAAAAGTTCATCTTTGTACTGCTTCA-3'
Protein context (NP_008835.5, residues 728-748): SCLTFLLSLP[His738Arg]NIIELDVRAY

ClinVar aggregate classification (germline): Uncertain significance (1 of 4 stars; one submission).

Submission:

Ambry Genetics
Classification: Uncertain significance. Last evaluated: 2021-09-01. Review status: criteria provided, single submitter. Criteria: Ambry Variant Classification Scheme 2023. Collection method: clinical testing. Allele origin: germline.
Comment: The p.H738R variant (also known as c.2213A>G), located in coding exon 20 of the PRKDC gene, results from an A to G substitution at nucleotide position 2213. The histidine at codon 738 is replaced by arginine, an amino acid with highly similar properties. This amino acid position is conserved. In addition, this alteration is predicted to be tolerated by in silico analysis. Since supporting evidence is limited at this time, the clinical significance of this alteration remains unclear.